The following is an entry in ClinVar:

ClinVar aggregate classification (germline): Likely benign. Review status: criteria provided, multiple submitters, no conflicts (2 of 4 stars). 2 submissions from 2 submitters: Likely benign (2). Last evaluated 2018-03-19.

Allele frequency attached by ClinVar (database versions not stated): ExAC 0.00143; gnomAD 0.00454 and 0.00491; 1000 Genomes Project 30x 0.00468; ESP Exome Variant Server 0.00577; gnomAD exomes 0.00119; 1000 Genomes Project 0.00459; TOPMed 0.00524.
gnomAD v4.1: 1,339 of 1,614,070 alleles (0.083%); highest among the groups gnomAD compares: African/African-American, 1.6%; 16 homozygotes.

Submissions (2):

GeneDx
Classification: Likely benign. Last evaluated: 2018-03-19. Review status: criteria provided, single submitter. Criteria: GeneDx Variant Classification (06012015). Collection method: clinical testing. Allele origin: germline. Affected: yes.
Comment: This variant is considered likely benign or benign based on one or more of the following criteria: it is a conservative change, it occurs at a poorly conserved position in the protein, it is predicted to be benign by multiple in silico algorithms, and/or has population frequency not consistent with disease.

Breakthrough Genomics
Classification: Likely benign. Review status: criteria provided, single submitter. Criteria: ACMG Guidelines, 2015. Collection method: not provided. Allele origin: germline. Inheritance: Unknown mechanism. Affected: yes.

NM_005379.4(MYO1A):c.3095A>C (p.Lys1032Thr)

Gene: MYO1A (myosin IA; minus strand). Cytogenetic location: 12q13.3.
Variant type: single nucleotide variant.
Coding change: c.3095A>C on transcript NM_005379.4 (MANE Select); coding-DNA position 3095, A replaced by C.
Protein change: p.Lys1032Thr; replaces lysine 1032 with threonine.
Molecular consequence: missense variant.
Genome position (GRCh38, 1-based): chr12:57,028,792, T>G on the plus strand (A>C on the coding strand, the complement: MYO1A is on the minus strand). VCF-style: chr12-57028792-T-G. GRCh37 (hg19) VCF-style: chr12-57422576-T-G.
Other names: c.3095A>C, p.Lys1032Thr (NM_001256041.2); short protein forms K1032T.
Identifiers: ClinVar variation 309895 (VCV000309895.3), dbSNP rs77915386, ClinGen allele CA6639499.
Genomic context (GRCh38, chr12:57,028,792, plus strand): 5'-CATCTCTGCATGGTGCCCCCTCCTCACTGCACAGTCACCTCCAAGCAATGACTCCCCTTT[T>G]TTTTGTAGCGTAGCTTGCTGTTGTCACCACCTGCAGGGCCCTGGACGACCTTGACAGCCA-3'
Protein context (NP_005370.1, residues 1022-1042): GGDNSKLRYK[Lys1032Thr]KGSHCLEVTV